The following is an entry in ClinVar:

ClinVar aggregate classification (germline): Likely pathogenic (1 of 4 stars; one submission).

Conditions:
Duchenne muscular dystrophy (DMD). Also called: MUSCULAR DYSTROPHY, PSEUDOHYPERTROPHIC PROGRESSIVE, DUCHENNE TYPE; Duchenne Muscular Dystrophy (DMD). Identifiers: Orphanet 98896, MedGen C0013264, MONDO:0010679, OMIM 310200.

Submission:

Labcorp Genetics (formerly Invitae), Labcorp
Classification: Likely pathogenic for Duchenne muscular dystrophy. Last evaluated: 2023-02-10. Review status: criteria provided, single submitter. Criteria: Invitae Variant Classification Sherloc (09022015). Collection method: clinical testing. Allele origin: unknown.
Comment: This variant results in a copy number gain of the genomic region encompassing exon(s) 17-18 of the DMD gene. While the exact position of this variant cannot be determined from the data, sub-genic copy number gains are generally in tandem (PMID: 25640679). This variant is predicted to be in-frame, and likely preserves the integrity of the reading frame. A similar copy number variant has been observed in individual(s) with clinical features of DMD-related conditions (PMID: 16049303, 20630757; Invitae). In summary, the currently available evidence indicates that the variant is pathogenic, but additional data are needed to prove that conclusively. Therefore, this variant has been classified as Likely Pathogenic.

Literature cited by the submitters: PubMed 25640679; PubMed 16049303; PubMed 20630757.

NC_000023.10:g.(?_32536105)_(32563471_?)dup

Gene: DMD (dystrophin; minus strand). Cytogenetic location: Xp21.1.
Variant type: Duplication.
Identifiers: ClinVar variation 3242854 (VCV003242854.1).